The following is an entry in ClinVar:

ClinVar aggregate classification (germline): Benign/Likely benign. Review status: criteria provided, multiple submitters, no conflicts (2 of 4 stars). 5 submissions from 5 submitters: Benign (3); Likely benign (2). Last evaluated 2026-02-02.

Allele frequency attached by ClinVar (database versions not stated): 1000 Genomes Project 0.00739; 1000 Genomes Project 30x 0.00750; ESP Exome Variant Server 0.00861; TOPMed 0.00898; ExAC 0.00955; gnomAD exomes 0.00998.

Submissions (5):

Labcorp Genetics (formerly Invitae), Labcorp
Classification: Benign. Last evaluated: 2026-02-02. Review status: criteria provided, single submitter. Criteria: Invitae Variant Classification Sherloc (09022015). Collection method: clinical testing. Allele origin: germline.

Mayo Clinic Laboratories, Mayo Clinic
Classification: Likely benign. Last evaluated: 2025-05-22. Review status: criteria provided, single submitter. Criteria: ACMG Guidelines, 2015. Collection method: clinical testing. Allele origin: germline. Observed: 12 variant alleles.
Comment: BS1, BS2

CeGaT Center for Human Genetics Tuebingen
Classification: Benign. Last evaluated: 2023-01-01. Review status: criteria provided, single submitter. Criteria: CeGaT Center For Human Genetics Tuebingen Variant Classification Criteria Version 2. Collection method: clinical testing. Allele origin: germline. Affected: yes. Observed: 3 variant alleles.
Comment: SLC10A2: BS1, BS2

Eurofins Ntd Llc (ga)
Classification: Benign. Last evaluated: 2017-02-10. Review status: criteria provided, single submitter. Criteria: EGL Classification Definitions 2015. Collection method: clinical testing. Allele origin: germline. Observed: 1 variant allele, 1 heterozygote.

Laboratory for Molecular Medicine, Mass General Brigham Personalized Medicine
Classification: Likely benign. Last evaluated: 2016-03-28. Review status: criteria provided, single submitter. Criteria: LMM Criteria. Collection method: clinical testing. Allele origin: germline.
Comment: Variant identified in a genome or exome case(s) and assessed due to predicted null impact of the variant or pathogenic assertions in the literature or databases. Disclaimer: This variant has not undergone full assessment. The following are preliminary notes: Frequency in 1000Genomes: 22/2178=1%

NM_000452.3(SLC10A2):c.868C>T (p.Pro290Ser)

Gene: SLC10A2 (solute carrier family 10 member 2; minus strand). Cytogenetic location: 13q33.1.
Variant type: single nucleotide variant.
Coding change: c.868C>T on transcript NM_000452.3 (MANE Select); coding-DNA position 868, C replaced by T.
Protein change: p.Pro290Ser; replaces proline 290 with serine.
Molecular consequence: missense variant.
Genome position (GRCh38, 1-based): chr13:103,049,340, G>A on the plus strand (C>T on the coding strand, the complement: SLC10A2 is on the minus strand). VCF-style: chr13-103049340-G-A. GRCh37 (hg19) VCF-style: chr13-103701690-G-A.
Other names: p.Pro290Ser; short protein forms P290S.
Identifiers: ClinVar variation 374538 (VCV000374538.59), dbSNP rs56398830, ClinGen allele CA7042015.